The following is an entry in ClinVar:

ClinVar aggregate classification (germline): Likely benign (1 of 4 stars; one submission).

Submission:

CeGaT Center for Human Genetics Tuebingen
Classification: Likely benign. Last evaluated: 2024-11-01. Review status: criteria provided, single submitter. Criteria: CeGaT Center For Human Genetics Tuebingen Variant Classification Criteria Version 2. Collection method: clinical testing. Allele origin: germline. Affected: yes. Observed: 1 variant allele.
Comment: TLK2: BP4, BP7

NM_006852.6(TLK2):c.2187A>G (p.Thr729=)

Gene: TLK2 (tousled like kinase 2; plus strand). Cytogenetic location: 17q23.2.
Variant type: single nucleotide variant.
Coding change: c.2187A>G on transcript NM_006852.6 (MANE Select); coding-DNA position 2187, A replaced by G.
Protein change: p.Thr729=; no amino-acid change (threonine 729 retained).
Molecular consequence: synonymous variant.
Genome position (GRCh38, 1-based): chr17:62,612,499, A>G. VCF-style: chr17-62612499-A-G. GRCh37 (hg19) VCF-style: chr17-60689860-A-G.
Other names: c.2253A>G, p.Thr751= (NM_001284333.3); c.2091A>G, p.Thr697= (NM_001284363.1, NM_001375272.1); c.1740A>G, p.Thr580= (NM_001330418.3, NM_001375273.1); c.2229A>G, p.Thr743= (NM_001375269.1); c.2187A>G, p.Thr729= (NM_001375270.1, NM_001375271.1); c.1902A>G, p.Thr634= (NM_001411074.1).
Identifiers: ClinVar variation 3387881 (VCV003387881.14).